The following is an entry in ClinVar:

NM_006904.7(PRKDC):c.4282A>G (p.Ile1428Val)

Gene: PRKDC (protein kinase, DNA-activated, catalytic subunit; minus strand). Cytogenetic location: 8q11.21.
Variant type: single nucleotide variant.
Coding change: c.4282A>G on transcript NM_006904.7 (MANE Select); coding-DNA position 4282, A replaced by G.
Protein change: p.Ile1428Val; replaces isoleucine 1428 with valine.
Molecular consequence: missense variant.
Genome position (GRCh38, 1-based): chr8:47,888,649, T>C on the plus strand (A>G on the coding strand, the complement: PRKDC is on the minus strand). VCF-style: chr8-47888649-T-C. GRCh37 (hg19) VCF-style: chr8-48801210-T-C.
Other names: c.4282A>G, p.Ile1428Val (NM_001081640.2); short protein forms I1428V.
Identifiers: ClinVar variation 1020079 (VCV001020079.5), dbSNP rs2089388910, ClinGen allele CA371146016.

ClinVar aggregate classification (germline): Uncertain significance (1 of 4 stars; one submission).

Conditions:
Severe combined immunodeficiency due to DNA-PKcs deficiency. Also called: IMMUNODEFICIENCY 26 WITH NEUROLOGIC ABNORMALITIES; Immunodeficiency 26 with or without neurologic abnormalities. Identifiers: Orphanet 317425, MedGen C4014833, MONDO:0014423, OMIM 615966.

Allele frequency attached by ClinVar (database versions not stated): TOPMed below 0.00001.
gnomAD v4.1: 3 of 1,577,890 alleles (0.00019%); highest among the groups gnomAD compares: Admixed American, 0.0019%; no homozygotes.

Submission:

Labcorp Genetics (formerly Invitae), Labcorp
Classification: Uncertain significance for Severe combined immunodeficiency due to DNA-PKcs deficiency. Last evaluated: 2020-06-07. Review status: criteria provided, single submitter. Criteria: Invitae Variant Classification Sherloc (09022015). Collection method: clinical testing. Allele origin: germline.
Comment: This sequence change replaces isoleucine with valine at codon 1428 of the PRKDC protein (p.Ile1428Val). The isoleucine residue is weakly conserved and there is a small physicochemical difference between isoleucine and valine. This variant is not present in population databases (ExAC no frequency). This variant has not been reported in the literature in individuals with PRKDC-related conditions. Experimental studies and prediction algorithms are not available or were not evaluated, and the functional significance of this variant is currently unknown. In summary, the available evidence is currently insufficient to determine the role of this variant in disease. Therefore, it has been classified as a Variant of Uncertain Significance.